The following is an entry in ClinVar:

ClinVar aggregate classification (germline): Likely pathogenic (1 of 4 stars; one submission).

Conditions:
PKHD1-related disorder. Also called: PKHD1-related condition.

gnomAD v4.1: 26 of 1,614,038 alleles (0.0016%); highest among the groups gnomAD compares: Non-Finnish European, 0.0022%; no homozygotes.

Submission:

PreventionGenetics, part of Exact Sciences
Classification: Likely pathogenic for PKHD1-related condition. Last evaluated: 2026-07-27. Review status: criteria provided, single submitter. Criteria: ACMG Guidelines, 2015. Collection method: clinical testing. Allele origin: germline.
Comment: The PKHD1 c.1409G>A variant is predicted to result in the amino acid substitution p.Gly470Asp. This variant was reported in an individual with autosomal recessive polycystic kidney disease (ARPKD) (Sharp et al. 2005. PubMed ID: 15805161). In addition, at PreventionGenetics, we have found this variant with different pathogenic variants in patients tested for polycystic kidney disease (Internal Data). This variant has not been reported in a large population database (gnomAD), indicating this variant is rare. Of note, a different substitution at the same codon, defined as c.1409G>T (p.Gly470Val), has been reported with a pathogenic frameshift variant in an individual with ARPKD (Gunay-Aygun et al. 2010. PubMed ID: 19914852). In summary, the c.1409G>A (p.Gly470Asp) variant is interpreted as likely pathogenic.

NM_138694.4(PKHD1):c.1409G>A (p.Gly470Asp)

Gene: PKHD1 (PKHD1 ciliary IPT domain containing fibrocystin/polyductin; minus strand). Cytogenetic location: 6p12.2.
Variant type: single nucleotide variant.
Coding change: c.1409G>A on transcript NM_138694.4 (MANE Select); coding-DNA position 1409, G replaced by A.
Protein change: p.Gly470Asp; replaces glycine 470 with aspartic acid.
Molecular consequence: missense variant.
Genome position (GRCh38, 1-based): chr6:52,058,426, C>T on the plus strand (G>A on the coding strand, the complement: PKHD1 is on the minus strand). VCF-style: chr6-52058426-C-T. GRCh37 (hg19) VCF-style: chr6-51923224-C-T.
Other names: c.1409G>A, p.Gly470Asp (NM_170724.3); short protein forms G470D.
Identifiers: ClinVar variation 4983415 (VCV004983415.1).